The following is an entry in ClinVar:

NM_001024630.4(RUNX2):c.652A>G (p.Lys218Glu)

Gene: RUNX2 (RUNX family transcription factor 2; plus strand). Cytogenetic location: 6p21.1.
Variant type: single nucleotide variant.
Coding change: c.652A>G on transcript NM_001024630.4 (MANE Select); coding-DNA position 652, A replaced by G.
Protein change: p.Lys218Glu; replaces lysine 218 with glutamic acid.
Molecular consequence: missense variant.
Genome position (GRCh38, 1-based): chr6:45,438,018, A>G. VCF-style: chr6-45438018-A-G. GRCh37 (hg19) VCF-style: chr6-45405755-A-G.
Other names: c.652A>G, p.Lys218Glu (NM_001015051.4); c.610A>G, p.Lys204Glu (NM_001278478.2, NM_001369405.1); short protein forms K204E, K218E.
Identifiers: ClinVar variation 1458374 (VCV001458374.6), dbSNP rs2150371897, ClinGen allele CA363955346.

ClinVar aggregate classification (germline): Pathogenic (1 of 4 stars; one submission).

Submission:

Labcorp Genetics (formerly Invitae), Labcorp
Classification: Pathogenic. Last evaluated: 2021-08-24. Review status: criteria provided, single submitter. Criteria: Invitae Variant Classification Sherloc (09022015). Collection method: clinical testing. Allele origin: germline.
Comment: This sequence change replaces lysine with glutamic acid at codon 218 of the RUNX2 protein (p.Lys218Glu). The lysine residue is highly conserved and there is a small physicochemical difference between lysine and glutamic acid. This variant is not present in population databases (ExAC no frequency). This missense change has been observed in individual(s) with cleidocranial dysplasia (PMID: 20648631, 31347140). In at least one individual the variant was observed to be de novo. Algorithms developed to predict the effect of missense changes on protein structure and function are either unavailable or do not agree on the potential impact of this missense change (SIFT: "Deleterious"; PolyPhen-2: "Possibly Damaging"; Align-GVGD: "Class C0"). Experimental studies have shown that this missense change affects RUNX2 function (PMID: 31347140). This variant disrupts the p.Lys218 amino acid residue in RUNX2. Other variant(s) that disrupt this residue have been observed in individuals with RUNX2-related conditions (PMID: 12196916, 20648631), which suggests that this may be a clinically significant amino acid residue. For these reasons, this variant has been classified as Pathogenic.

Literature cited by the submitters: PubMed 20648631; PubMed 31347140; PubMed 12196916.